The following is an entry in ClinVar:

NM_206933.4(USH2A):c.2617G>A (p.Gly873Arg)

Genes: USH2A (usherin; minus strand), LOC122152296 (Sharpr-MPRA regulatory region 8762; plus strand). Cytogenetic location: 1q41.
Variant type: single nucleotide variant.
Coding change: c.2617G>A on transcript NM_206933.4 (MANE Select); coding-DNA position 2617, G replaced by A.
Protein change: p.Gly873Arg; replaces glycine 873 with arginine.
Molecular consequence: missense variant.
Genome position (GRCh38, 1-based): chr1:216,246,777, C>T on the plus strand (G>A on the coding strand, the complement: USH2A is on the minus strand). VCF-style: chr1-216246777-C-T. GRCh37 (hg19) VCF-style: chr1-216420119-C-T.
Other names: c.2617G>A, p.Gly873Arg (NM_007123.6); short protein forms G873R.
Identifiers: ClinVar variation 550022 (VCV000550022.12), dbSNP rs1037325220, ClinGen allele CA37501180.

ClinVar aggregate classification (germline): Conflicting classifications of pathogenicity. Review status: criteria provided, conflicting classifications (1 of 4 stars). 7 submissions from 6 submitters: Likely pathogenic (1); Uncertain significance (5). 1 of the submissions does not count toward it. Last evaluated 2024-09-10.

Conditions:
Usher syndrome type 2A. Also called: RETINAL DISEASE IN USHER SYNDROME TYPE IIA, MODIFIER OF; USHER SYNDROME, TYPE IIA. Identifiers: Orphanet 231178, Orphanet 886, MedGen C1848634, MONDO:0010169, OMIM 276901.
Retinitis pigmentosa 39 (RP39). Identifiers: Orphanet 791, MedGen C3151138, MONDO:0013436, OMIM 613809.

Allele frequency attached by ClinVar (database versions not stated): gnomAD exomes below 0.00001; gnomAD 0.00001; TOPMed 0.00001.
gnomAD v4.1: 6 of 1,613,990 alleles (0.00037%); highest among the groups gnomAD compares: South Asian, 0.0022%; no homozygotes.

Submissions (7):

Women's Health and Genetics/Laboratory Corporation of America, LabCorp
Classification: Uncertain significance. Last evaluated: 2024-09-10. Review status: criteria provided, single submitter. Criteria: LabCorp Variant Classification Summary - May 2015. Collection method: clinical testing. Allele origin: germline.
Comment: Variant summary: USH2A c.2617G>A (p.Gly873Arg) results in a non-conservative amino acid change located in the Laminin-type EGF domain (IPR002049) of the encoded protein sequence. Three of five in-silico tools predict a damaging effect of the variant on protein function. The variant allele was found at a frequency of 4e-06 in 250812 control chromosomes. The available data on variant occurrences in the general population are insufficient to allow any conclusion about variant significance. c.2617G>A has been reported in the literature in an individual affected with retinitis pigmentosa (Huang_2015). This report does not provide unequivocal conclusions about association of the variant with Usher Syndrome. To our knowledge, no experimental evidence demonstrating an impact on protein function has been reported. The following publication has been ascertained in the context of this evaluation (PMID: 25356976). ClinVar contains an entry for this variant (Variation ID: 550022). Based on the evidence outlined above, the variant was classified as uncertain significance.

Institute of Medical Genetics and Applied Genomics, University Hospital Tübingen
Classification: Likely pathogenic for Retinitis pigmentosa 39. Last evaluated: 2024-07-31. Review status: criteria provided, single submitter. Criteria: ACMG Guidelines, 2015. Collection method: clinical testing. Allele origin: germline. Inheritance: Autosomal recessive inheritance. Affected: yes.

Genome-Nilou Lab
Classification: Uncertain significance for Retinitis pigmentosa 39. Last evaluated: 2023-11-04. Review status: criteria provided, single submitter. Criteria: ACMG Guidelines, 2015. Collection method: clinical testing. Allele origin: germline. Affected: no.

Genome-Nilou Lab
Classification: Uncertain significance for Usher syndrome type 2A. Last evaluated: 2023-11-04. Review status: criteria provided, single submitter. Criteria: ACMG Guidelines, 2015. Collection method: clinical testing. Allele origin: germline. Affected: no.

Labcorp Genetics (formerly Invitae), Labcorp
Classification: Uncertain significance. Last evaluated: 2023-08-04. Review status: criteria provided, single submitter. Criteria: Invitae Variant Classification Sherloc (09022015). Collection method: clinical testing. Allele origin: germline.
Comment: In summary, the available evidence is currently insufficient to determine the role of this variant in disease. Therefore, it has been classified as a Variant of Uncertain Significance. Advanced modeling of protein sequence and biophysical properties (such as structural, functional, and spatial information, amino acid conservation, physicochemical variation, residue mobility, and thermodynamic stability) has been performed at Invitae for this missense variant, however the output from this modeling did not meet the statistical confidence thresholds required to predict the impact of this variant on USH2A protein function. ClinVar contains an entry for this variant (Variation ID: 550022). This missense change has been observed in individual(s) with retinal disease (PMID: 25356976). This variant is present in population databases (no rsID available, gnomAD 0.003%). This sequence change replaces glycine, which is neutral and non-polar, with arginine, which is basic and polar, at codon 873 of the USH2A protein (p.Gly873Arg).

Blueprint Genetics
Classification: Uncertain significance. Last evaluated: 2022-03-29. Review status: criteria provided, single submitter. Criteria: ACMG Guidelines, 2015. Collection method: clinical testing. Allele origin: germline.

Counsyl
Classification: Uncertain significance for Usher syndrome type 2A; Retinitis pigmentosa 39. Last evaluated: 2017-05-01. Review status: no assertion criteria provided. Collection method: clinical testing. Allele origin: unknown. Not counted in ClinVar's aggregate classification.

Literature cited by the submitters: PubMed 25356976 (cited by 3 submitters).